The following is an entry in ClinVar:

NM_001143854.2(RPH3A):c.1718G>A (p.Arg573His)

Gene: RPH3A (rabphilin 3A; plus strand). Cytogenetic location: 12q24.13.
Variant type: single nucleotide variant.
Coding change: c.1718G>A on transcript NM_001143854.2 (MANE Select); coding-DNA position 1718, G replaced by A.
Protein change: p.Arg573His; replaces arginine 573 with histidine.
Molecular consequence: missense variant. On other transcripts: non-coding transcript variant (2).
Genome position (GRCh38, 1-based): chr12:112,890,946, G>A. VCF-style: chr12-112890946-G-A. GRCh37 (hg19) VCF-style: chr12-113328751-G-A.
Other names: c.1718G>A, p.Arg573His (NM_001347952.2, NM_001347953.1, NM_001347954.2); c.1517G>A, p.Arg506His (NM_001347955.2); c.1706G>A, p.Arg569His (NM_014954.4); short protein forms R569H, R506H, R573H.
Identifiers: ClinVar variation 4629450 (VCV004629450.1).

ClinVar aggregate classification (germline): Uncertain significance (1 of 4 stars; one submission).

Conditions:
Inborn genetic diseases. Identifiers: MedGen C0950123, MeSH D030342.

gnomAD v4.1: 6 of 1,614,100 alleles (0.00037%); highest among the groups gnomAD compares: Non-Finnish European, 0.00051%; no homozygotes.

Submission:

Ambry Genetics
Classification: Uncertain significance for Inborn genetic diseases. Last evaluated: 2025-11-03. Review status: criteria provided, single submitter. Criteria: Ambry Variant Classification Scheme 2023. Collection method: clinical testing. Allele origin: germline.
Comment: The c.1718G>A (p.R573H) alteration is located in exon 19 (coding exon 17) of the RPH3A gene. This alteration results from a G to A substitution at nucleotide position 1718, causing the arginine (R) at amino acid position 573 to be replaced by a histidine (H). Based on data from gnomAD, the A allele has an overall frequency of <0.001% (1/250886) total alleles studied. The highest observed frequency was 0.001% (1/113368) of European (non-Finnish) alleles. Based on insufficient or conflicting evidence, the clinical significance of this alteration remains unclear.